The following is an entry in ClinVar:

ClinVar aggregate classification (germline): Uncertain significance. Review status: criteria provided, multiple submitters, no conflicts (2 of 4 stars). 2 submissions from 2 submitters: Uncertain significance (2). Last evaluated 2022-03-18.

Conditions:
Bethlem myopathy 1A. Also called: Bethlem myopathy 1; MYOPATHY, BENIGN CONGENITAL, WITH CONTRACTURES; Bethlem Muscular Dystrophy. Identifiers: Orphanet 610, MedGen CN029274, MONDO:0024530, OMIM 158810.

Submissions (2):

Labcorp Genetics (formerly Invitae), Labcorp
Classification: Uncertain significance for Bethlem myopathy 1A. Last evaluated: 2022-03-18. Review status: criteria provided, single submitter. Criteria: Invitae Variant Classification Sherloc (09022015). Collection method: clinical testing. Allele origin: germline.
Comment: This sequence change replaces leucine, which is neutral and non-polar, with proline, which is neutral and non-polar, at codon 838 of the COL6A2 protein (p.Leu838Pro). This variant is not present in population databases (gnomAD no frequency). This variant has not been reported in the literature in individuals affected with COL6A2-related conditions. ClinVar contains an entry for this variant (Variation ID: 595396). Advanced modeling of protein sequence and biophysical properties (such as structural, functional, and spatial information, amino acid conservation, physicochemical variation, residue mobility, and thermodynamic stability) performed at Invitae indicates that this missense variant is expected to disrupt COL6A2 protein function. In summary, the available evidence is currently insufficient to determine the role of this variant in disease. Therefore, it has been classified as a Variant of Uncertain Significance.

Eurofins Ntd Llc (ga)
Classification: Uncertain significance. Last evaluated: 2017-12-15. Review status: criteria provided, single submitter. Criteria: EGL Classification Definitions 2015. Collection method: clinical testing. Allele origin: germline. Observed: 1 variant allele, 1 heterozygote.

NM_001849.4(COL6A2):c.2513T>C (p.Leu838Pro)

Gene: COL6A2 (collagen type VI alpha 2 chain; plus strand). Cytogenetic location: 21q22.3.
Variant type: single nucleotide variant.
Coding change: c.2513T>C on transcript NM_001849.4 (MANE Select); coding-DNA position 2513, T replaced by C.
Protein change: p.Leu838Pro; replaces leucine 838 with proline.
Molecular consequence: missense variant.
Genome position (GRCh38, 1-based): chr21:46,132,005, T>C. VCF-style: chr21-46132005-T-C. GRCh37 (hg19) VCF-style: chr21-47551919-T-C.
Other names: short protein forms L838P.
Identifiers: ClinVar variation 595396 (VCV000595396.14), dbSNP rs1568947214, ClinGen allele CA410548186.